The following is an entry in ClinVar:

NM_001042492.3(NF1):c.7456A>T (p.Arg2486Trp)

Gene: NF1 (neurofibromin 1; plus strand). Cytogenetic location: 17q11.2.
Variant type: single nucleotide variant.
Coding change: c.7456A>T on transcript NM_001042492.3 (MANE Select); coding-DNA position 7456, A replaced by T.
Protein change: p.Arg2486Trp; replaces arginine 2486 with tryptophan.
Molecular consequence: missense variant.
Genome position (GRCh38, 1-based): chr17:31,350,317, A>T. VCF-style: chr17-31350317-A-T. GRCh37 (hg19) VCF-style: chr17-29677335-A-T.
Other names: c.7393A>T, p.Arg2465Trp (NM_000267.4); short protein forms R2465W, R2486W.
Identifiers: ClinVar variation 2452297 (VCV002452297.3), dbSNP rs752162999, ClinGen allele CA399017226.

ClinVar aggregate classification (germline): Uncertain significance. Review status: criteria provided, single submitter (1 of 4 stars). 2 submissions from 2 submitters: Uncertain significance (1). 1 of the submissions does not count toward it. Last evaluated 2023-01-27.

Conditions:
Hereditary cancer-predisposing syndrome. Also called: Neoplastic Syndromes, Hereditary; Tumor predisposition; Hereditary neoplastic syndrome; Hereditary Cancer Syndrome. Identifiers: Orphanet 140162, MedGen C0027672, MeSH D009386, MONDO:0015356.
Cardiovascular phenotype. Identifiers: MedGen CN230736.
NF1-related disorder. Also called: NF1-related condition. Identifiers: MedGen CN379171.

gnomAD v4.1: 1 of 1,611,722 alleles (0.000062%); no homozygotes.

Submissions (2):

Ambry Genetics
Classification: Uncertain significance for Cardiovascular phenotype; Hereditary cancer-predisposing syndrome. Last evaluated: 2023-01-27. Review status: criteria provided, single submitter. Criteria: Ambry Variant Classification Scheme 2023. Collection method: clinical testing. Allele origin: germline.
Comment: The p.R2465W variant (also known as c.7393A>T), located in coding exon 49 of the NF1 gene, results from an A to T substitution at nucleotide position 7393. The arginine at codon 2465 is replaced by tryptophan, an amino acid with dissimilar properties. This amino acid position is conserved. In addition, the in silico prediction for this alteration is inconclusive. Since supporting evidence is limited at this time, the clinical significance of this alteration remains unclear.

PreventionGenetics, part of Exact Sciences
Classification: Uncertain significance for NF1-related condition. Last evaluated: 2024-03-19. Review status: no assertion criteria provided. Collection method: clinical testing. Allele origin: germline. Not counted in ClinVar's aggregate classification.
Comment: The NF1 c.7456A>T variant is predicted to result in the amino acid substitution p.Arg2486Trp. To our knowledge, this variant has not been reported in the literature or in a large population database, indicating this variant is rare. At this time, the clinical significance of this variant is uncertain due to the absence of conclusive functional and genetic evidence.